The following is an entry in ClinVar:

NM_001165963.4(SCN1A):c.655dup (p.Arg219fs)

Gene: SCN1A (sodium voltage-gated channel alpha subunit 1; minus strand). Cytogenetic location: 2q24.3.
Variant type: Duplication.
Coding change: c.655dup on transcript NM_001165963.4 (MANE Select); coding-DNA position 655, one base duplicated (A; older notation c.655dupA).
Protein change: p.Arg219fs; shifts the reading frame from arginine 219.
Molecular consequence: frameshift variant. On other transcripts: 5 prime UTR variant (1), non-coding transcript variant (1).
Genome position (GRCh38, 1-based): chr2:166,052,891, T duplicated on the plus strand (A on the coding strand, the reverse complement: SCN1A is on the minus strand). VCF-style (leftmost placement, unchanged base first): chr2-166052890-C-CT. GRCh37 (hg19) VCF-style: chr2-166909400-C-CT.
Other names: c.655dup, p.Arg219fs (NM_001165964.3, NM_001202435.3, NM_001353948.2 and 10 more transcripts); c.-1771dup (NM_001353961.2); short protein forms R219fs.
Identifiers: ClinVar variation 1754189 (VCV001754189.2), dbSNP rs2468233250, ClinGen allele CA2580064301.

ClinVar aggregate classification (germline): Pathogenic (1 of 4 stars; one submission).

Conditions:
Inborn genetic diseases. Identifiers: MedGen C0950123, MeSH D030342.

Submission:

Ambry Genetics
Classification: Pathogenic for Inborn genetic diseases. Last evaluated: 2018-03-29. Review status: criteria provided, single submitter. Criteria: Ambry Variant Classification Scheme 2023. Collection method: clinical testing. Allele origin: germline.
Comment: The c.655dupA pathogenic mutation, located in coding exon 5 of the SCN1A gene, results from a duplication of A at nucleotide position 655, causing a translational frameshift with a predicted alternate stop codon (p.R219Kfs*58). This alteration is expected to result in loss of function by premature protein truncation or nonsense-mediated mRNA decay. As such, this alteration is interpreted as a disease-causing mutation.